The following is an entry in ClinVar:

ClinVar aggregate classification (germline): Conflicting classifications of pathogenicity. Review status: criteria provided, conflicting classifications (1 of 4 stars). 3 submissions from 3 submitters: Pathogenic (1); Likely pathogenic (1); Uncertain significance (1). Last evaluated 2024-06-12.

Conditions:
Hereditary spastic paraplegia 30. Identifiers: Orphanet 101010, MedGen C5235139, MONDO:0012476.
Neuropathy, hereditary sensory, type 2C. Also called: Hereditary sensory and autonomic neuropathy type IIC; KIF1A-Related HSAN2 (HSAN2C). Identifiers: Orphanet 970, MedGen C3280168, MONDO:0013634, OMIM 614213.
Intellectual disability, autosomal dominant 9 (NESCAVS). Also called: KIF1A-Related Neurodevelopmental Disorder; NESCAV SYNDROME. Identifiers: Orphanet 662367, MedGen C5393830, MONDO:0013656, OMIM 614255.

Submissions (3):

Labcorp Genetics (formerly Invitae), Labcorp
Classification: Uncertain significance for Hereditary spastic paraplegia 30; Neuropathy, hereditary sensory, type 2C; Intellectual disability, autosomal dominant 9. Last evaluated: 2024-06-12. Review status: criteria provided, single submitter. Criteria: Invitae Variant Classification Sherloc (09022015). Collection method: clinical testing. Allele origin: germline.
Comment: This sequence change replaces cysteine, which is neutral and slightly polar, with tyrosine, which is neutral and polar, at codon 151 of the KIF1A protein (p.Cys151Tyr). This variant is not present in population databases (gnomAD no frequency). This missense change has been observed in individual(s) with hereditary spastic paraplegia (PMID: 33880452; Invitae). ClinVar contains an entry for this variant (Variation ID: 451648). Advanced modeling of protein sequence and biophysical properties (such as structural, functional, and spatial information, amino acid conservation, physicochemical variation, residue mobility, and thermodynamic stability) performed at Invitae indicates that this missense variant is expected to disrupt KIF1A protein function with a positive predictive value of 95%. In summary, the available evidence is currently insufficient to determine the role of this variant in disease. Therefore, it has been classified as a Variant of Uncertain Significance.

3billion
Classification: Likely pathogenic for Intellectual disability, autosomal dominant 9. Last evaluated: 2021-10-02. Review status: criteria provided, single submitter. Criteria: ACMG Guidelines, 2015. Collection method: clinical testing. Allele origin: unknown. Affected: yes. Observed: 1 heterozygote.
Comment: Same nucleotide change resulting in same amino acid change has been previously reported as pathogenic (VCV000451648.4, PS1_P). The missense variant is located in a mutational hot spot and/or well-established functional domain in which established pathogenic variants have been reported (PM1). It is not observed in the gnomAD v2.1.1 dataset (PM2). In silico tool predictions suggest damaging effect of the variant on gene or gene product (REVEL: 0.843, 3Cnet: 0.995, PP3). Therefore, this variant is classified as pathogenic according to the recommendation of ACMG/AMP guideline.

GeneDx
Classification: Pathogenic. Last evaluated: 2018-01-18. Review status: criteria provided, single submitter. Criteria: GeneDx Variant Classification (06012015). Collection method: clinical testing. Allele origin: germline. Affected: yes.
Comment: The C151Y variant in the KIF1A gene, previously reported by GeneDx as a variant of uncertain significance, has not been reported previously in the literature as a pathogenic variant nor as a benign variant, to our knowledge. The C151Y variant is not observed in large population cohorts (Lek et al., 2016). The C151Y variant is a non-conservative amino acid substitution, which is likely to impact secondary protein structure as these residues differ in polarity, charge, size and/or other properties. In-silico analyses, including protein predictors and evolutionary conservation, support a deleterious effect. Additionally, this amino acid substitution does occur within the predicted motor domain of the protein, where all pathogenic missense KIF1A pathogenic variants have been identified to date (Lee et al., 2014). We interpret C151Y as a pathogenic variant.

Literature cited by the submitters: PubMed 33880452 (cited by Labcorp Genetics (formerly Invitae), Labcorp).

NM_001244008.2(KIF1A):c.452G>A (p.Cys151Tyr)

Gene: KIF1A (kinesin family member 1A; minus strand). Cytogenetic location: 2q37.3.
Variant type: single nucleotide variant.
Coding change: c.452G>A on transcript NM_001244008.2 (MANE Select); coding-DNA position 452, G replaced by A.
Protein change: p.Cys151Tyr; replaces cysteine 151 with tyrosine.
Molecular consequence: missense variant.
Genome position (GRCh38, 1-based): chr2:240,786,491, C>T on the plus strand (G>A on the coding strand, the complement: KIF1A is on the minus strand). VCF-style: chr2-240786491-C-T. GRCh37 (hg19) VCF-style: chr2-241725908-C-T.
Other names: c.452G>A, p.Cys151Tyr (NM_001320705.2, NM_001330289.2, NM_001330290.2 and 20 more transcripts); short protein forms C151Y.
Identifiers: ClinVar variation 451648 (VCV000451648.13), dbSNP rs1553638655, ClinGen allele CA351307022.